The following is an entry in ClinVar:

ClinVar aggregate classification (germline): Likely benign. Review status: criteria provided, multiple submitters, no conflicts (2 of 4 stars). 4 submissions from 4 submitters: Likely benign (4). Last evaluated 2025-09-29.

Conditions:
Gorlin syndrome. Also called: Nevoid Basal Cell Carcinoma Syndrome; Basal cell nevus syndrome. Identifiers: Orphanet 377, MedGen C0004779, MONDO:0007187.

Allele frequency attached by ClinVar (database versions not stated): 1000 Genomes Project 30x 0.00016; 1000 Genomes Project 0.00020; TOPMed 0.00041; gnomAD exomes 0.00045 and 0.00079; gnomAD 0.00046; ExAC 0.00050; ESP Exome Variant Server 0.00092.
gnomAD v4.1: 1,212 of 1,614,028 alleles (0.075%); highest among the groups gnomAD compares: Non-Finnish European, 0.092%; 3 homozygotes.

Submissions (4):

Labcorp Genetics (formerly Invitae), Labcorp
Classification: Likely benign for Gorlin syndrome. Last evaluated: 2025-09-29. Review status: criteria provided, single submitter. Criteria: Invitae Variant Classification Sherloc (09022015). Collection method: clinical testing. Allele origin: germline.

CeGaT Center for Human Genetics Tuebingen
Classification: Likely benign. Last evaluated: 2025-08-01. Review status: criteria provided, single submitter. Criteria: CeGaT Center For Human Genetics Tuebingen Variant Classification Criteria Version 2. Collection method: clinical testing. Allele origin: germline. Affected: yes. Observed: 6 variant alleles.
Comment: PTCH2: BP4, BP7

Blueprint Genetics
Classification: Likely benign. Last evaluated: 2024-11-07. Review status: criteria provided, single submitter. Criteria: ACMG Guidelines, 2015. Collection method: clinical testing. Allele origin: germline.

Breakthrough Genomics
Classification: Likely benign. Review status: criteria provided, single submitter. Criteria: ACMG Guidelines, 2015. Collection method: not provided. Allele origin: germline. Inheritance: Autosomal dominant inheritance. Affected: yes.

NM_003738.5(PTCH2):c.2679G>A (p.Thr893=)

Gene: PTCH2 (patched 2; minus strand). Cytogenetic location: 1p34.1.
Variant type: single nucleotide variant.
Coding change: c.2679G>A on transcript NM_003738.5 (MANE Select); coding-DNA position 2679, G replaced by A.
Protein change: p.Thr893=; no amino-acid change (threonine 893 retained).
Molecular consequence: synonymous variant.
Genome position (GRCh38, 1-based): chr1:44,826,918, C>T on the plus strand (G>A on the coding strand, the complement: PTCH2 is on the minus strand). VCF-style: chr1-44826918-C-T. GRCh37 (hg19) VCF-style: chr1-45292590-C-T.
Other names: c.2679G>A, p.Thr893= (NM_001166292.2).
Identifiers: ClinVar variation 696190 (VCV000696190.37), dbSNP rs113617379, ClinGen allele CA822935.